The following is an entry in ClinVar:

ClinVar aggregate classification (germline): Uncertain significance. Review status: criteria provided, multiple submitters, no conflicts (2 of 4 stars). 4 submissions from 4 submitters: Uncertain significance (4). Last evaluated 2026-04-17.

Conditions:
Trichothiodystrophy 1, photosensitive (TTD1). Also called: TAY SYNDROME; TRICHOTHIODYSTROPHY WITH CONGENITAL ICHTHYOSIS; PIBIDS SYNDROME. Identifiers: Orphanet 33364, MedGen C1866504, MONDO:0011125, OMIM 601675.
Cerebrooculofacioskeletal syndrome 2 (COFS2). Identifiers: MedGen C1853102, MONDO:0012553, OMIM 610756.
Xeroderma pigmentosum, group D (XPD). Also called: XERODERMA PIGMENTOSUM, COMPLEMENTATION GROUP D; XERODERMA PIGMENTOSUM IV; XP, GROUP D; XP, GROUP H; ERCC2-Related Xeroderma Pigmentosum. Identifiers: MedGen C0268138, MONDO:0010212, OMIM 278730.
ERCC2-related disorder. Also called: ERCC2-related conditions; ERCC2-related condition; ERCC2-related disorders. Identifiers: MedGen CN239291.

Allele frequency attached by ClinVar (database versions not stated): gnomAD exomes below 0.00001 and 0.00001; gnomAD 0.00002 and 0.00003; TOPMed 0.00002; ExAC 0.00003.

Submissions (4):

Myriad Genetics, Inc.
Classification: Uncertain significance for ERCC2-related disorder. Last evaluated: 2026-04-17. Review status: criteria provided, single submitter. Criteria: Myriad Autosomal Dominant, Autosomal Recessive and X-Linked Classification Criteria (2023). Collection method: clinical testing. Allele origin: unknown.
Comment: NM_000400.3(ERCC2):c.860G>A(R287H) is a missense variant classified as a variant of uncertain significance in the context of ERCC2-related disorders. R287H has not been observed in cases with relevant disease. Relevant functional assessments of this variant are not available in the literature. R287H has been observed in referenced population frequency databases. In summary, there is insufficient evidence to classify NM_000400.3(ERCC2):c.860G>A(R287H) as pathogenic or benign. Please note: this variant was assessed in the context of healthy population screening.

Blueprint Genetics
Classification: Uncertain significance. Last evaluated: 2024-09-16. Review status: criteria provided, single submitter. Criteria: ACMG Guidelines, 2015. Collection method: clinical testing. Allele origin: germline.

Labcorp Genetics (formerly Invitae), Labcorp
Classification: Uncertain significance. Last evaluated: 2021-09-01. Review status: criteria provided, single submitter. Criteria: Invitae Variant Classification Sherloc (09022015). Collection method: clinical testing. Allele origin: germline.

Fulgent Genetics
Classification: Uncertain significance for Xeroderma pigmentosum, group D; Trichothiodystrophy 1, photosensitive; Cerebrooculofacioskeletal syndrome 2. Last evaluated: 2021-07-28. Review status: criteria provided, single submitter. Criteria: ACMG Guidelines, 2015. Collection method: clinical testing. Allele origin: unknown.

NM_000400.4(ERCC2):c.860G>A (p.Arg287His)

Gene: ERCC2 (ERCC excision repair 2, TFIIH core complex helicase subunit; minus strand). Cytogenetic location: 19q13.32.
Variant type: single nucleotide variant.
Coding change: c.860G>A on transcript NM_000400.4 (MANE Select); coding-DNA position 860, G replaced by A.
Protein change: p.Arg287His; replaces arginine 287 with histidine.
Molecular consequence: missense variant.
Genome position (GRCh38, 1-based): chr19:45,364,075, C>T on the plus strand (G>A on the coding strand, the complement: ERCC2 is on the minus strand). VCF-style: chr19-45364075-C-T. GRCh37 (hg19) VCF-style: chr19-45867333-C-T.
Other names: c.788G>A, p.Arg263His (NM_001130867.2); short protein forms R263H, R287H.
Identifiers: ClinVar variation 1397433 (VCV001397433.6), dbSNP rs765839639, ClinGen allele CA9513590.